The following is an entry in ClinVar:

NM_001201543.2(FAM161A):c.1084C>T (p.Arg362Ter)

Gene: FAM161A (FAM161 centrosomal protein A; minus strand). Cytogenetic location: 2p15.
Variant type: single nucleotide variant.
Coding change: c.1084C>T on transcript NM_001201543.2 (MANE Select); coding-DNA position 1084, C replaced by T.
Protein change: p.Arg362Ter; replaces arginine 362 with a stop codon.
Molecular consequence: nonsense. On other transcripts: non-coding transcript variant (1).
Genome position (GRCh38, 1-based): chr2:61,839,920, G>A on the plus strand (C>T on the coding strand, the complement: FAM161A is on the minus strand). VCF-style: chr2-61839920-G-A. GRCh37 (hg19) VCF-style: chr2-62067055-G-A.
Other names: c.1084C>T (NM_001201543.1); c.1084C>T, p.Arg362Ter (NM_032180.3); short protein forms R362*.
Identifiers: ClinVar variation 1456138 (VCV001456138.7), dbSNP rs1375972743, ClinGen allele CA346987469.

ClinVar aggregate classification (germline): Pathogenic/Likely pathogenic. Review status: criteria provided, multiple submitters, no conflicts (2 of 4 stars). 2 submissions from 2 submitters: Pathogenic (1); Likely pathogenic (1). Last evaluated 2026-01-26.

Conditions:
Retinitis pigmentosa 28 (RP28). Identifiers: Orphanet 791, MedGen C1419614, MONDO:0011630, OMIM 606068.

gnomAD v4.1: 5 of 1,614,178 alleles (0.00031%); highest among the groups gnomAD compares: African/African-American, 0.0013%; no homozygotes.

Submissions (2):

Labcorp Genetics (formerly Invitae), Labcorp
Classification: Pathogenic. Last evaluated: 2026-01-26. Review status: criteria provided, single submitter. Criteria: Invitae Variant Classification Sherloc (09022015). Collection method: clinical testing. Allele origin: germline.
Comment: This sequence change creates a premature translational stop signal (p.Arg362*) in the FAM161A gene. It is expected to result in an absent or disrupted protein product. Loss-of-function variants in FAM161A are known to be pathogenic (PMID: 20705278, 20705279, 24651477). This variant is not present in population databases (gnomAD no frequency). This variant has not been reported in the literature in individuals affected with FAM161A-related conditions. ClinVar contains an entry for this variant (Variation ID: 1456138). For these reasons, this variant has been classified as Pathogenic.

Natera, Inc.
Classification: Likely pathogenic for Retinitis pigmentosa type 28. Last evaluated: 2025-07-30. Review status: criteria provided, single submitter. Criteria: Natera Variant Classification Schema (03/2026). Collection method: clinical testing. Allele origin: germline.
Comment: The c.1084C>T variant in FAM161A is a nonsense variant predicted to introduce a stop codon at amino acid 362. This variant is expected to result in nonsense mediated decay, truncation, or a dysfunctional protein product. This variant is rare in the general population with a frequency below the threshold expected for the associated phenotype(s). Given the available evidence, this variant is classified as Likely Pathogenic.

Literature cited by the submitters: PubMed 20705278 (cited by Labcorp Genetics (formerly Invitae), Labcorp); PubMed 20705279 (cited by Labcorp Genetics (formerly Invitae), Labcorp); PubMed 24651477 (cited by Labcorp Genetics (formerly Invitae), Labcorp).